The following is an entry in ClinVar:

ClinVar aggregate classification (germline): Uncertain significance. Review status: criteria provided, multiple submitters, no conflicts (2 of 4 stars). 2 submissions from 2 submitters: Uncertain significance (2). Last evaluated 2025-12-01.

Submissions (2):

Labcorp Genetics (formerly Invitae), Labcorp
Classification: Uncertain significance. Last evaluated: 2025-12-01. Review status: criteria provided, single submitter. Criteria: Invitae Variant Classification Sherloc (09022015). Collection method: clinical testing. Allele origin: germline.
Comment: This sequence change creates a premature translational stop signal (p.Gly477Valfs*15) in the TGM6 gene. It is expected to result in an absent or disrupted protein product. However, the current clinical and genetic evidence is not sufficient to establish whether loss-of-function variants in TGM6 cause disease. This variant is not present in population databases (gnomAD no frequency). This variant has not been reported in the literature in individuals affected with TGM6-related conditions. ClinVar contains an entry for this variant (Variation ID: 809216). In summary, the available evidence is currently insufficient to determine the role of this variant in disease. Therefore, it has been classified as a Variant of Uncertain Significance.

CeGaT Center for Human Genetics Tuebingen
Classification: Uncertain significance. Last evaluated: 2023-08-01. Review status: criteria provided, single submitter. Criteria: CeGaT Center For Human Genetics Tuebingen Variant Classification Criteria Version 2. Collection method: clinical testing. Allele origin: germline. Affected: yes. Observed: 8 variant alleles.
Comment: TGM6: PM2:Supporting, PVS1:Supporting

NM_198994.3(TGM6):c.1429_1430insTCTCTGGCGTGACGACCTCCTG (p.Gly477fs)

Gene: TGM6 (transglutaminase 6; plus strand). Cytogenetic location: 20p13.
Variant type: Insertion.
Coding change: c.1429_1430insTCTCTGGCGTGACGACCTCCTG on transcript NM_198994.3 (MANE Select); coding-DNA positions 1429 to 1430, TCTCTGGCGTGACGACCTCCTG inserted.
Protein change: p.Gly477fs; shifts the reading frame from glycine 477.
Molecular consequence: frameshift variant.
Genome position: GRCh38 VCF-style: chr20-2417321-G-GCTGTCTCTGGCGTGACGACCTC. GRCh37 (hg19) VCF-style: chr20-2397967-G-GCTGTCTCTGGCGTGACGACCTC.
Other names: c.1429_1430insTCTCTGGCGTGACGACCTCCTG, p.Gly477fs (NM_001254734.2); short protein forms G477fs.
Identifiers: ClinVar variation 809216 (VCV000809216.46), dbSNP rs1181987535, ClinGen allele CA742324257.